The following is an entry in ClinVar:

NM_001378452.1(ITPR1):c.268A>C (p.Asn90His)

Gene: ITPR1 (inositol 1,4,5-trisphosphate receptor type 1; plus strand). Cytogenetic location: 3p26.1.
Variant type: single nucleotide variant.
Coding change: c.268A>C on transcript NM_001378452.1 (MANE Select); coding-DNA position 268, A replaced by C.
Protein change: p.Asn90His; replaces asparagine 90 with histidine.
Molecular consequence: missense variant.
Genome position (GRCh38, 1-based): chr3:4,627,867, A>C. VCF-style: chr3-4627867-A-C. GRCh37 (hg19) VCF-style: chr3-4669551-A-C.
Other names: c.268A>C, p.Asn90His (NM_001099952.4, NM_001168272.2, NM_002222.7); short protein forms N90H.
Identifiers: ClinVar variation 3572438 (VCV003572438.3).

ClinVar aggregate classification (germline): Uncertain significance. Review status: criteria provided, multiple submitters, no conflicts (2 of 4 stars). 2 submissions from 2 submitters: Uncertain significance (2). Last evaluated 2024-07-12.

Submissions (2):

GeneDx
Classification: Uncertain significance. Last evaluated: 2024-07-12. Review status: criteria provided, single submitter. Criteria: GeneDx Variant Classification Process June 2021. Collection method: clinical testing. Allele origin: germline. Affected: yes.
Comment: Not observed at significant frequency in large population cohorts (gnomAD); In silico analysis indicates that this missense variant does not alter protein structure/function; Has not been previously published as pathogenic or benign to our knowledge

Labcorp Genetics (formerly Invitae), Labcorp
Classification: Uncertain significance. Last evaluated: 2024-04-11. Review status: criteria provided, single submitter. Criteria: Invitae Variant Classification Sherloc (09022015). Collection method: clinical testing. Allele origin: germline.
Comment: This sequence change replaces asparagine, which is neutral and polar, with histidine, which is basic and polar, at codon 90 of the ITPR1 protein (p.Asn90His). This variant is not present in population databases (gnomAD no frequency). This variant has not been reported in the literature in individuals affected with ITPR1-related conditions. Advanced modeling of protein sequence and biophysical properties (such as structural, functional, and spatial information, amino acid conservation, physicochemical variation, residue mobility, and thermodynamic stability) performed at Invitae indicates that this missense variant is not expected to disrupt ITPR1 protein function with a negative predictive value of 95%. In summary, the available evidence is currently insufficient to determine the role of this variant in disease. Therefore, it has been classified as a Variant of Uncertain Significance.